The following is an entry in ClinVar:

NM_001036.6(RYR3):c.9095G>A (p.Ser3032Asn)

Gene: RYR3 (ryanodine receptor 3; plus strand). Cytogenetic location: 15q14.
Variant type: single nucleotide variant.
Coding change: c.9095G>A on transcript NM_001036.6 (MANE Select); coding-DNA position 9095, G replaced by A.
Protein change: p.Ser3032Asn; replaces serine 3032 with asparagine.
Molecular consequence: missense variant.
Genome position (GRCh38, 1-based): chr15:33,773,573, G>A. VCF-style: chr15-33773573-G-A. GRCh37 (hg19) VCF-style: chr15-34065774-G-A.
Other names: c.9095G>A, p.Ser3032Asn (NM_001243996.4); short protein forms S3032N.
Identifiers: ClinVar variation 572659 (VCV000572659.8), dbSNP rs1567143157, ClinGen allele CA391589293.

ClinVar aggregate classification (germline): Uncertain significance (1 of 4 stars; one submission).

Conditions:
Epileptic encephalopathy. Identifiers: MedGen C0543888, HP:0200134.

Allele frequency attached by ClinVar (database versions not stated): gnomAD exomes below 0.00001.

Submission:

Labcorp Genetics (formerly Invitae), Labcorp
Classification: Uncertain significance for Epileptic encephalopathy. Last evaluated: 2018-05-02. Review status: criteria provided, single submitter. Criteria: Invitae Variant Classification Sherloc (09022015). Collection method: clinical testing. Allele origin: germline.
Comment: In summary, the available evidence is currently insufficient to determine the role of this variant in disease. Therefore, it has been classified as a Variant of Uncertain Significance. Algorithms developed to predict the effect of missense changes on protein structure and function do not agree on the potential impact of this missense change (SIFT: "Deleterious"; PolyPhen-2: "Possibly Damaging"; Align-GVGD: "Class C0"). This variant has not been reported in the literature in individuals with RYR3-related disease. This variant is not present in population databases (ExAC no frequency). This sequence change replaces serine with asparagine at codon 3032 of the RYR3 protein (p.Ser3032Asn). The serine residue is highly conserved and there is a small physicochemical difference between serine and asparagine.